The following is an entry in ClinVar:

ClinVar aggregate classification (germline): Uncertain significance. Review status: criteria provided, multiple submitters, no conflicts (2 of 4 stars). 2 submissions from 2 submitters: Uncertain significance (2). Last evaluated 2025-08-19.

Conditions:
Congenital hypothalamic hamartoma syndrome. Also called: PALLISTER-HALL-LIKE SYNDROME. Identifiers: MedGen C5435677, MONDO:0009436, OMIM 241800.

Allele frequency attached by ClinVar (database versions not stated): gnomAD exomes 0.00004; ExAC 0.00014; ESP Exome Variant Server 0.00031; gnomAD 0.00046; TOPMed 0.00054; 1000 Genomes Project 0.00060; 1000 Genomes Project 30x 0.00078.
gnomAD v4.1: 138 of 1,614,246 alleles (0.0085%); highest among the groups gnomAD compares: African/African-American, 0.16%; no homozygotes.

Submissions (2):

Clinical Genomics Laboratory, Washington University in St. Louis
Classification: Uncertain significance for Congenital hypothalamic hamartoma syndrome. Last evaluated: 2025-08-19. Review status: criteria provided, single submitter. Criteria: ACMG Guidelines, 2015. Collection method: clinical testing. Allele origin: germline.
Comment: A SMO c.591G>A (p.Leu197=) variant was identified at a near heterozygous allelic fraction of 48.9%, a frequency which may be consistent with it being of germline origin. This synonymous variant occurs at a highly conserved base position and to our knowledge, has not been reported in the medical literature. It is observed in 138/1,614,246 alleles in the general population (gnomAD v4.1.0). The SMO c.591G>A (p.Leu197=) variant has been reported in the ClinVar database as a germline variant of uncertain significance by one submitter (ClinVar Variation ID: 2579485). Due to limited information, and based on ACMG/AMP guidelines for variant interpretation (Richards S et al., PMID: 25741868), the clinical significance of this variant is uncertain at this time.

GeneDx
Classification: Uncertain significance. Last evaluated: 2023-03-06. Review status: criteria provided, single submitter. Criteria: GeneDx Variant Classification Process June 2021. Collection method: clinical testing. Allele origin: germline. Affected: yes.
Comment: In silico analysis supports that this variant does not alter splicing; Has not been previously published as pathogenic or benign to our knowledge

NM_005631.5(SMO):c.591G>A (p.Leu197=)

Gene: SMO (smoothened, frizzled class receptor; plus strand). Cytogenetic location: 7q32.1.
Variant type: single nucleotide variant.
Coding change: c.591G>A on transcript NM_005631.5 (MANE Select); coding-DNA position 591, G replaced by A.
Protein change: p.Leu197=; no amino-acid change (leucine 197 retained).
Molecular consequence: synonymous variant.
Genome position (GRCh38, 1-based): chr7:129,205,256, G>A. VCF-style: chr7-129205256-G-A. GRCh37 (hg19) VCF-style: chr7-128845097-G-A.
Identifiers: ClinVar variation 2579485 (VCV002579485.2), dbSNP rs148583945, ClinGen allele CA4479145.
Genomic context (GRCh38, chr7:129,205,256, plus strand): 5'-GTGCCAGAATGAGGTGCAGAACATCAAGTTCAACAGTTCAGGCCAGTGCGAAGTGCCCTT[G>A]GTTCGGACAGACAACCCCAAGAGCTGGTACGAGGACGTGGAGGGCTGCGGCATCCAGTGC-3'
Protein context (NP_005622.1, residues 187-207): FNSSGQCEVP[Leu197=]VRTDNPKSWY